The following is an entry in ClinVar:

NM_001429.4(EP300):c.3142+9C>T

Genes: EP300 (EP300 lysine acetyltransferase; plus strand), LOC126863158 (BRD4-independent group 4 enhancer GRCh37_chr22:41547383-41548582; plus strand). Cytogenetic location: 22q13.2.
Variant type: single nucleotide variant.
Coding change: c.3142+9C>T on transcript NM_001429.4 (MANE Select); 9 bases into the intron after coding-DNA position 3142, C replaced by T.
Molecular consequence: intron variant.
Genome position (GRCh38, 1-based): chr22:41,152,359, C>T. VCF-style: chr22-41152359-C-T. GRCh37 (hg19) VCF-style: chr22-41548363-C-T.
Other names: c.3064+9C>T (NM_001362843.2).
Identifiers: ClinVar variation 3354585 (VCV003354585.3).

ClinVar aggregate classification (germline): Likely benign. Review status: criteria provided, single submitter (1 of 4 stars). 2 submissions from 2 submitters: Likely benign (1). 1 of the submissions does not count toward it. Last evaluated 2024-09-05.

Conditions:
EP300-related disorder. Also called: EP300-related condition; EP300-related disorders.
Rubinstein-Taybi syndrome due to EP300 haploinsufficiency. Also called: EP300-Related Rubinstein-Taybi Syndrome; RUBINSTEIN-TAYBI SYNDROME 2. Identifiers: Orphanet 353284, Orphanet 783, MedGen C3150941, MONDO:0013364, OMIM 613684.

gnomAD v4.1: 7 of 1,611,388 alleles (0.00043%); highest among the groups gnomAD compares: Middle Eastern, 0.016%; no homozygotes.

Submissions (2):

Labcorp Genetics (formerly Invitae), Labcorp
Classification: Likely benign for Rubinstein-Taybi syndrome due to EP300 haploinsufficiency. Last evaluated: 2024-09-05. Review status: criteria provided, single submitter. Criteria: Invitae Variant Classification Sherloc (09022015). Collection method: clinical testing. Allele origin: germline.

PreventionGenetics, part of Exact Sciences
Classification: Likely benign for EP300-related condition. Last evaluated: 2023-01-26. Review status: no assertion criteria provided. Collection method: clinical testing. Allele origin: germline. Not counted in ClinVar's aggregate classification.
Comment: This variant is classified as likely benign based on ACMG/AMP sequence variant interpretation guidelines (Richards et al. 2015 PMID: 25741868, with internal and published modifications).